The following is an entry in ClinVar:

ClinVar aggregate classification (germline): Uncertain significance (1 of 4 stars; one submission).

Submission:

Women's Health and Genetics/Laboratory Corporation of America, LabCorp
Classification: Uncertain significance. Last evaluated: 2025-05-06. Review status: criteria provided, single submitter. Criteria: LabCorp Variant Classification Summary - May 2015. Collection method: clinical testing. Allele origin: germline.
Comment: Variant summary: PAX6 c.500C>T (p.Ser167Leu) results in a non-conservative amino acid change in the encoded protein sequence. Algorithms developed to predict the effect of missense changes on protein structure and function all suggest that this variant is likely to be disruptive. The variant allele was found at a frequency of 4e-06 in 251426 control chromosomes. The available data on variant occurrences in the general population are insufficient to allow any conclusion about variant significance. To our knowledge, no occurrence of c.500C>T in individuals affected with PAX6-Related Disorders and no experimental evidence demonstrating its impact on protein function have been reported. No submitters have cited clinical-significance assessments for this variant to ClinVar. Based on the evidence outlined above, the variant was classified as uncertain significance.

NM_001368894.2(PAX6):c.542C>T (p.Ser181Leu)

Gene: PAX6 (paired box 6; minus strand). Cytogenetic location: 11p13.
Variant type: single nucleotide variant.
Coding change: c.542C>T on transcript NM_001368894.2 (MANE Select); coding-DNA position 542, C replaced by T.
Protein change: p.Ser181Leu; replaces serine 181 with leucine.
Molecular consequence: missense variant. On other transcripts: non-coding transcript variant (2).
Genome position (GRCh38, 1-based): chr11:31,800,714, G>A on the plus strand (C>T on the coding strand, the complement: PAX6 is on the minus strand). VCF-style: chr11-31800714-G-A. GRCh37 (hg19) VCF-style: chr11-31822262-G-A.
Other names: c.500C>T, p.Ser167Leu (NM_000280.6, NM_001127612.3, NM_001258464.2 and 10 more transcripts); c.542C>T, p.Ser181Leu (NM_001258462.3, NM_001258463.2, NM_001310158.2 and 6 more transcripts); c.92C>T, p.Ser31Leu (NM_001310160.2, NM_001310161.3, NM_001368899.2 and 11 more transcripts); c.743C>T, p.Ser248Leu (NM_001368910.2); c.545C>T, p.Ser182Leu (NM_001368911.2); c.617C>T, p.Ser206Leu (NM_001368918.2, NM_001368919.2); c.575C>T, p.Ser192Leu (NM_001368920.2); c.341C>T, p.Ser114Leu (NM_001368921.2, NM_001368922.2, NM_001368923.2 and 4 more transcripts); and 1 more; short protein forms S100L, S114L, S167L, S181L, S182L, S192L, S206L, S248L.
Identifiers: ClinVar variation 3902479 (VCV003902479.1).